The following is an entry in ClinVar:

ClinVar aggregate classification (germline): Uncertain significance. Review status: criteria provided, multiple submitters, no conflicts (2 of 4 stars). 3 submissions from 3 submitters: Uncertain significance (3). Last evaluated 2024-05-22.

Submissions (3):

Blueprint Genetics
Classification: Uncertain significance. Last evaluated: 2024-05-22. Review status: criteria provided, single submitter. Criteria: ACMG Guidelines, 2015. Collection method: clinical testing. Allele origin: germline.

Labcorp Genetics (formerly Invitae), Labcorp
Classification: Uncertain significance. Last evaluated: 2023-08-17. Review status: criteria provided, single submitter. Criteria: Invitae Variant Classification Sherloc (09022015). Collection method: clinical testing. Allele origin: germline.
Comment: This sequence change replaces isoleucine, which is neutral and non-polar, with threonine, which is neutral and polar, at codon 179 of the DDX3X protein (p.Ile179Thr). This variant is not present in population databases (gnomAD no frequency). This variant has not been reported in the literature in individuals affected with DDX3X-related conditions. Experimental studies and prediction algorithms are not available or were not evaluated, and the functional significance of this variant is currently unknown. In summary, the available evidence is currently insufficient to determine the role of this variant in disease. Therefore, it has been classified as a Variant of Uncertain Significance.

GeneDx
Classification: Uncertain significance. Last evaluated: 2023-06-22. Review status: criteria provided, single submitter. Criteria: GeneDx Variant Classification Process June 2021. Collection method: clinical testing. Allele origin: germline. Affected: yes.
Comment: Not observed at significant frequency in large population cohorts (gnomAD); In silico analysis supports that this missense variant has a deleterious effect on protein structure/function; Has not been previously published as pathogenic or benign to our knowledge

NM_001356.5(DDX3X):c.536T>C (p.Ile179Thr)

Gene: DDX3X (DEAD-box helicase 3 X-linked; plus strand). Cytogenetic location: Xp11.4.
Variant type: single nucleotide variant.
Coding change: c.536T>C on transcript NM_001356.5 (MANE Select); coding-DNA position 536, T replaced by C.
Protein change: p.Ile179Thr; replaces isoleucine 179 with threonine.
Molecular consequence: missense variant. On other transcripts: 5 prime UTR variant (1), non-coding transcript variant (1).
Genome position (GRCh38, 1-based): chrX:41,342,829, T>C. VCF-style: chrX-41342829-T-C. GRCh37 (hg19) VCF-style: chrX-41202082-T-C.
Other names: c.536T>C (NM_001193416.1); c.536T>C, p.Ile179Thr (NM_001193416.3); c.488T>C, p.Ile163Thr (NM_001193417.3); c.-23T>C (NM_001363819.1); short protein forms I179T, I163T.
Identifiers: ClinVar variation 2845849 (VCV002845849.5), dbSNP rs2519509643, ClinGen allele CA412767461.